The following is an entry in ClinVar:

NC_000022.11:g.23583379G>A

Genes: DRICH1 (aspartate rich 1; minus strand), IGLL1 (immunoglobulin lambda like polypeptide 1; minus strand). Cytogenetic location: 22q11.23.
Variant type: single nucleotide variant.
Genome position: GRCh38 VCF-style: chr22-23583379-G-A. GRCh37 (hg19) VCF-style: chr22-23925566-G-A.
Identifiers: ClinVar variation 1879549 (VCV001879549.29), dbSNP rs118124522, ClinGen allele CA322560490.
Genomic context (GRCh38, chr22:23,583,379, plus strand): 5'-TCCCTGTCCACGCCCCCGGGTGTGTCCCTGGGGGCAGTGCCATCTGATGGCTTGTCCAGC[G>A]CTGTGAGGCTCTCCCCAGCTTCCCTAAAGTTGAGTTTCATCCTGGAGCTGGGCCATCTCA-3'

ClinVar aggregate classification (germline): Benign (1 of 4 stars; one submission).

Allele frequency attached by ClinVar (database versions not stated): 1000 Genomes Project 30x 0.00375; 1000 Genomes Project 0.00399; TOPMed 0.00768; gnomAD 0.00814; gnomAD exomes 0.06250.
gnomAD v4.1: 1,228 of 152,270 alleles (0.81%); highest among the groups gnomAD compares: Non-Finnish European, 1.2%; 7 homozygotes.

Submission:

CeGaT Center for Human Genetics Tuebingen
Classification: Benign. Last evaluated: 2023-02-01. Review status: criteria provided, single submitter. Criteria: CeGaT Center For Human Genetics Tuebingen Variant Classification Criteria Version 2. Collection method: clinical testing. Allele origin: germline. Affected: yes. Observed: 4 variant alleles.
Comment: IGLL1: BS1, BS2